The following is an entry in ClinVar:

NM_182914.3(SYNE2):c.6817G>C (p.Val2273Leu)

Gene: SYNE2 (spectrin repeat containing nuclear envelope protein 2; plus strand). Cytogenetic location: 14q23.2.
Variant type: single nucleotide variant.
Coding change: c.6817G>C on transcript NM_182914.3 (MANE Select); coding-DNA position 6817, G replaced by C.
Protein change: p.Val2273Leu; replaces valine 2273 with leucine.
Molecular consequence: missense variant.
Genome position (GRCh38, 1-based): chr14:64,029,997, G>C. VCF-style: chr14-64029997-G-C. GRCh37 (hg19) VCF-style: chr14-64496715-G-C.
Other names: c.6817G>C, p.Val2273Leu (NM_015180.6); short protein forms V2273L.
Identifiers: ClinVar variation 568596 (VCV000568596.8), dbSNP rs1274502678, ClinGen allele CA389951356.

ClinVar aggregate classification (germline): Uncertain significance (1 of 4 stars; one submission).

Conditions:
Emery-Dreifuss muscular dystrophy 5, autosomal dominant (EDMD5). Also called: EMERY-DREIFUSS MUSCULAR DYSTROPHY 5. Identifiers: Orphanet 261, MedGen C2751805, MONDO:0013072, OMIM 612999.

Allele frequency attached by ClinVar (database versions not stated): TOPMed 0.00001.

Submission:

Labcorp Genetics (formerly Invitae), Labcorp
Classification: Uncertain significance for Emery-Dreifuss muscular dystrophy 5, autosomal dominant. Last evaluated: 2018-04-02. Review status: criteria provided, single submitter. Criteria: Invitae Variant Classification Sherloc (09022015). Collection method: clinical testing. Allele origin: germline.
Comment: In summary, the available evidence is currently insufficient to determine the role of this variant in disease. Therefore, it has been classified as a Variant of Uncertain Significance. Algorithms developed to predict the effect of missense changes on protein structure and function output the following: SIFT: "Tolerated"; PolyPhen-2: "Benign"; Align-GVGD: "Class C0". The leucine amino acid residue is found in multiple mammalian species, suggesting that this missense change does not adversely affect protein function. These predictions have not been confirmed by published functional studies and their clinical significance is uncertain. This variant has not been reported in the literature in individuals with SYNE2-related disease. This variant is not present in population databases (ExAC no frequency). This sequence change replaces valine with leucine at codon 2273 of the SYNE2 protein (p.Val2273Leu). The valine residue is weakly conserved and there is a small physicochemical difference between valine and leucine.